The following is an entry in ClinVar:

NM_024312.5(GNPTAB):c.637-1del

Gene: GNPTAB (N-acetylglucosamine-1-phosphate transferase subunits alpha and beta; minus strand). Cytogenetic location: 12q23.2.
Variant type: Deletion.
Coding change: c.637-1del on transcript NM_024312.5 (MANE Select); the canonical splice acceptor site of the intron before coding-DNA position 637, one base deleted (G; older notation c.637-1delG).
Molecular consequence: splice acceptor variant.
Genome position (GRCh38, 1-based): chr12:101,780,287, C deleted on the plus strand (G on the coding strand, the reverse complement: GNPTAB is on the minus strand). VCF-style (leftmost placement, unchanged base first): chr12-101780286-TC-T. GRCh37 (hg19) VCF-style: chr12-102174064-TC-T.
Identifiers: ClinVar variation 2948961 (VCV002948961.3), dbSNP rs2522525606, ClinGen allele CA2740092566.

ClinVar aggregate classification (germline): Likely pathogenic (1 of 4 stars; one submission).

Conditions:
Mucolipidosis type II. Also called: ML II ALPHA/BETA; Mucolipidosis 2; ML 2; Inclusion cell disease; Leroy Disease; N-acetylglucosamine 1phosphotransferase deficiency. Identifiers: Orphanet 576, MedGen C2673377, MONDO:0009650, OMIM 252500.
Pseudo-Hurler polydystrophy. Also called: ML III; ML III ALPHA/BETA; Type III Mucolipidosis; ML IIIA; Mucolipidosis III Alpha/Beta; MUCOLIPIDOSIS IIIA. Identifiers: Orphanet 423461, Orphanet 577, MedGen C0033788, MONDO:0018931, OMIM 252600.

Submission:

Labcorp Genetics (formerly Invitae), Labcorp
Classification: Likely pathogenic for Pseudo-Hurler polydystrophy; Mucolipidosis type II. Last evaluated: 2023-06-27. Review status: criteria provided, single submitter. Criteria: Invitae Variant Classification Sherloc (09022015). Collection method: clinical testing. Allele origin: germline.
Comment: This sequence change affects a splice site in intron 6 of the GNPTAB gene. It is expected to disrupt RNA splicing. Variants that disrupt the donor or acceptor splice site typically lead to a loss of protein function (PMID: 16199547), and loss-of-function variants in GNPTAB are known to be pathogenic (PMID: 19617216, 25107912). In summary, the currently available evidence indicates that the variant is pathogenic, but additional data are needed to prove that conclusively. Therefore, this variant has been classified as Likely Pathogenic. Algorithms developed to predict the effect of sequence changes on RNA splicing suggest that this variant may disrupt the consensus splice site. This variant has not been reported in the literature in individuals affected with GNPTAB-related conditions. This variant is not present in population databases (gnomAD no frequency).

Literature cited by the submitters: PubMed 16199547; PubMed 19617216; PubMed 25107912.